The following is an entry in ClinVar:

NM_003482.4(KMT2D):c.8096C>A (p.Thr2699Asn)

Gene: KMT2D (lysine methyltransferase 2D; minus strand). Cytogenetic location: 12q13.12.
Variant type: single nucleotide variant.
Coding change: c.8096C>A on transcript NM_003482.4 (MANE Select); coding-DNA position 8096, C replaced by A.
Protein change: p.Thr2699Asn; replaces threonine 2699 with asparagine.
Molecular consequence: missense variant.
Genome position (GRCh38, 1-based): chr12:49,039,568, G>T on the plus strand (C>A on the coding strand, the complement: KMT2D is on the minus strand). VCF-style: chr12-49039568-G-T. GRCh37 (hg19) VCF-style: chr12-49433351-G-T.
Other names: short protein forms T2699N.
Identifiers: ClinVar variation 2785617 (VCV002785617.3), dbSNP rs983427248, ClinGen allele CA384744164.

ClinVar aggregate classification (germline): Uncertain significance (1 of 4 stars; one submission).

Conditions:
Kabuki syndrome. Also called: NIIKAWA-KUROKI SYNDROME; Kabuki make-up syndrome. Identifiers: Orphanet 2322, MedGen C0796004, MONDO:0016512.

gnomAD v4.1: 1 of 1,611,744 alleles (0.000062%); highest among the groups gnomAD compares: Non-Finnish European, 0.000085%; no homozygotes.

Submission:

Labcorp Genetics (formerly Invitae), Labcorp
Classification: Uncertain significance for Kabuki syndrome. Last evaluated: 2023-12-13. Review status: criteria provided, single submitter. Criteria: Invitae Variant Classification Sherloc (09022015). Collection method: clinical testing. Allele origin: germline.
Comment: This sequence change replaces threonine, which is neutral and polar, with asparagine, which is neutral and polar, at codon 2699 of the KMT2D protein (p.Thr2699Asn). This variant is not present in population databases (gnomAD no frequency). This variant has not been reported in the literature in individuals affected with KMT2D-related conditions. Advanced modeling of protein sequence and biophysical properties (such as structural, functional, and spatial information, amino acid conservation, physicochemical variation, residue mobility, and thermodynamic stability) performed at Invitae indicates that this missense variant is not expected to disrupt KMT2D protein function with a negative predictive value of 95%. In summary, the available evidence is currently insufficient to determine the role of this variant in disease. Therefore, it has been classified as a Variant of Uncertain Significance.